The following is an entry in ClinVar:

ClinVar aggregate classification (germline): Uncertain significance (1 of 4 stars; one submission).

Conditions:
Brunner syndrome (BRNRS). Identifiers: Orphanet 3057, MedGen C0796275, MONDO:0010379, OMIM 300615.

Allele frequency attached by ClinVar (database versions not stated): ExAC 0.00002; gnomAD 0.00002; gnomAD exomes 0.00002; TOPMed 0.00003.
gnomAD v4.1: 27 of 1,181,626 alleles (0.0023%); highest among the groups gnomAD compares: Non-Finnish European, 0.0025%; no homozygotes.

Submissions (2):

Labcorp Genetics (formerly Invitae), Labcorp
Classification: Uncertain significance for Brunner syndrome. Last evaluated: 2023-09-08. Review status: criteria provided, single submitter. Criteria: Invitae Variant Classification Sherloc (09022015). Collection method: clinical testing. Allele origin: germline.
Comment: In summary, the available evidence is currently insufficient to determine the role of this variant in disease. Therefore, it has been classified as a Variant of Uncertain Significance. Advanced modeling of protein sequence and biophysical properties (such as structural, functional, and spatial information, amino acid conservation, physicochemical variation, residue mobility, and thermodynamic stability) performed at Invitae indicates that this missense variant is not expected to disrupt MAOA protein function. This variant has not been reported in the literature in individuals affected with MAOA-related conditions. This variant is present in population databases (rs756748906, gnomAD 0.006%). This sequence change replaces histidine, which is basic and polar, with arginine, which is basic and polar, at codon 365 of the MAOA protein (p.His365Arg).

Dr. Peter K. Rogan Lab, Western University
No classification provided (evidence only). Condition: Thyroid cancer, nonmedullary, 1. Review status: no classification provided. Collection method: in vitro. Allele origin: not applicable. Functional consequence: retained intron. Not counted in ClinVar's aggregate classification.

NM_000240.4(MAOA):c.1094A>G (p.His365Arg)

Gene: MAOA (monoamine oxidase A; plus strand). Cytogenetic location: Xp11.3.
Variant type: single nucleotide variant.
Coding change: c.1094A>G on transcript NM_000240.4 (MANE Select); coding-DNA position 1094, A replaced by G.
Protein change: p.His365Arg; replaces histidine 365 with arginine.
Molecular consequence: missense variant.
Genome position (GRCh38, 1-based): chrX:43,736,268, A>G. VCF-style: chrX-43736268-A-G. GRCh37 (hg19) VCF-style: chrX-43595515-A-G.
Other names: c.695A>G, p.His232Arg (NM_001270458.2); short protein forms H365R, H232R.
Identifiers: ClinVar variation 2893850 (VCV002893850.4), dbSNP rs756748906, ClinGen allele CA10390887.